The following is an entry in ClinVar:

ClinVar aggregate classification (germline): Uncertain significance. Review status: criteria provided, multiple submitters, no conflicts (2 of 4 stars). 3 submissions from 3 submitters: Uncertain significance (3). Last evaluated 2025-11-12.

Conditions:
Inborn genetic diseases. Identifiers: MedGen C0950123, MeSH D030342.

gnomAD v4.1: 50 of 1,346,340 alleles (0.0037%); highest among the groups gnomAD compares: South Asian, 0.017%; no homozygotes.

Submissions (3):

Ambry Genetics
Classification: Uncertain significance for Inborn genetic diseases. Last evaluated: 2025-11-12. Review status: criteria provided, single submitter. Criteria: Ambry Variant Classification Scheme 2023. Collection method: clinical testing. Allele origin: germline.

Labcorp Genetics (formerly Invitae), Labcorp
Classification: Uncertain significance. Last evaluated: 2025-04-21. Review status: criteria provided, single submitter. Criteria: Invitae Variant Classification Sherloc (09022015). Collection method: clinical testing. Allele origin: germline.
Comment: This sequence change replaces alanine, which is neutral and non-polar, with glycine, which is neutral and non-polar, at codon 2 of the TMIE protein (p.Ala2Gly). This variant is present in population databases (no rsID available, gnomAD 0.03%). This variant has not been reported in the literature in individuals affected with TMIE-related conditions. ClinVar contains an entry for this variant (Variation ID: 2187141). Experimental studies and prediction algorithms are not available or were not evaluated, and the functional significance of this variant is currently unknown. In summary, the available evidence is currently insufficient to determine the role of this variant in disease. Therefore, it has been classified as a Variant of Uncertain Significance.

Blueprint Genetics
Classification: Uncertain significance. Last evaluated: 2024-09-08. Review status: criteria provided, single submitter. Criteria: ACMG Guidelines, 2015. Collection method: clinical testing. Allele origin: germline.

NM_147196.3(TMIE):c.5C>G (p.Ala2Gly)

Gene: TMIE (transmembrane inner ear; plus strand). Cytogenetic location: 3p21.31.
Variant type: single nucleotide variant.
Coding change: c.5C>G on transcript NM_147196.3 (MANE Select); coding-DNA position 5, C replaced by G.
Protein change: p.Ala2Gly; replaces alanine 2 with glycine.
Molecular consequence: missense variant. On other transcripts: intron variant (2).
Genome position (GRCh38, 1-based): chr3:46,701,492, C>G. VCF-style: chr3-46701492-C-G. GRCh37 (hg19) VCF-style: chr3-46742982-C-G.
Other names: c.5C>G (NM_147196.2); c.-66-4298C>G (NM_001370524.1, NM_001370525.1); short protein forms A2G.
Identifiers: ClinVar variation 2187141 (VCV002187141.7), dbSNP rs763690714, ClinGen allele CA352478145.
Genomic context (GRCh38, chr3:46,701,492, plus strand): 5'-GACCGGCGGCCGGCCCGTTCGTCCCTGGGCTCCGCAAGCGGCGCGGTGGCACGAAGATGG[C>G]GGGGTGGCCGGGCGCGGGTCCCCTCTGCGTGCTGGGCGGCGCCGCACTCGGGGTGTGCCT-3'
Protein context (NP_671729.2, residues 1-12): M[Ala2Gly]GWPGAGPLCV